The following is an entry in ClinVar:

ClinVar aggregate classification (germline): Uncertain significance (1 of 4 stars; one submission).

Allele frequency attached by ClinVar (database versions not stated): gnomAD exomes below 0.00001.
gnomAD v4.1: 4 of 1,614,138 alleles (0.00025%); highest among the groups gnomAD compares: Non-Finnish European, 0.00034%; no homozygotes.

Submission:

Labcorp Genetics (formerly Invitae), Labcorp
Classification: Uncertain significance. Last evaluated: 2023-12-09. Review status: criteria provided, single submitter. Criteria: Invitae Variant Classification Sherloc (09022015). Collection method: clinical testing. Allele origin: germline.
Comment: This sequence change replaces proline, which is neutral and non-polar, with leucine, which is neutral and non-polar, at codon 1237 of the SON protein (p.Pro1237Leu). This variant is not present in population databases (gnomAD no frequency). This variant has not been reported in the literature in individuals affected with SON-related conditions. An algorithm developed to predict the effect of missense changes on protein structure and function (PolyPhen-2) suggests that this variant is likely to be disruptive. In summary, the available evidence is currently insufficient to determine the role of this variant in disease. Therefore, it has been classified as a Variant of Uncertain Significance.

NM_138927.4(SON):c.3710C>T (p.Pro1237Leu)

Gene: SON (SON DNA and RNA binding protein; plus strand). Cytogenetic location: 21q22.11.
Variant type: single nucleotide variant.
Coding change: c.3710C>T on transcript NM_138927.4 (MANE Select); coding-DNA position 3710, C replaced by T.
Protein change: p.Pro1237Leu; replaces proline 1237 with leucine.
Molecular consequence: missense variant. On other transcripts: non-coding transcript variant (1), intron variant (1).
Genome position (GRCh38, 1-based): chr21:33,552,941, C>T. VCF-style: chr21-33552941-C-T. GRCh37 (hg19) VCF-style: chr21-34925247-C-T.
Other names: c.3710C>T, p.Pro1237Leu (NM_001291411.2, NM_001412133.1, NM_032195.3 and 2 more transcripts); c.245-4215C>T (NM_001291412.3); short protein forms P1237L.
Identifiers: ClinVar variation 3010472 (VCV003010472.3), dbSNP rs2517374074, ClinGen allele CA410160767.